The following is an entry in ClinVar:

NM_000098.3(CPT2):c.616C>G (p.Leu206Val)

Gene: CPT2 (carnitine palmitoyltransferase 2; plus strand). Cytogenetic location: 1p32.3.
Variant type: single nucleotide variant.
Coding change: c.616C>G on transcript NM_000098.3 (MANE Select); coding-DNA position 616, C replaced by G.
Protein change: p.Leu206Val; replaces leucine 206 with valine.
Molecular consequence: missense variant.
Genome position (GRCh38, 1-based): chr1:53,210,290, C>G. VCF-style: chr1-53210290-C-G. GRCh37 (hg19) VCF-style: chr1-53675962-C-G.
Other names: c.616C>G (NM_000098.2); c.616C>G, p.Leu206Val (NM_001330589.2); short protein forms L206V.
Identifiers: ClinVar variation 1035734 (VCV001035734.8), dbSNP rs1317020699, ClinGen allele CA340392887.
Genomic context (GRCh38, chr1:53,210,290, plus strand): 5'-ATCACCTTCAAGAGACTCATACGCTTTGTGCCTTCCTCTCTGTCCTGGTATGGGGCCTAC[C>G]TGGTCAATGCGTATCCCCTGGATATGTCCCAGTATTTTCGGCTTTTCAACTCAACTCGTT-3'
Protein context (NP_000089.1, residues 196-216): PSSLSWYGAY[Leu206Val]VNAYPLDMSQ

ClinVar aggregate classification (germline): Uncertain significance. Review status: criteria provided, multiple submitters, no conflicts (2 of 4 stars). 3 submissions from 3 submitters: Uncertain significance (2). 1 of the submissions does not count toward it. Last evaluated 2024-07-02.

Conditions:
Inborn genetic diseases. Identifiers: MedGen C0950123, MeSH D030342.
Carnitine palmitoyltransferase II deficiency. Also called: Carnitine Palmitoyltransferase 2 Deficiency. Identifiers: Orphanet 157, MedGen C0342790, MONDO:0015515.

Allele frequency attached by ClinVar (database versions not stated): gnomAD exomes 0.00001; TOPMed 0.00001.
gnomAD v4.1: 3 of 1,614,200 alleles (0.00019%); highest among the groups gnomAD compares: Admixed American, 0.005%; no homozygotes.

Submissions (3):

Ambry Genetics
Classification: Uncertain significance for Inborn genetic diseases. Last evaluated: 2024-07-02. Review status: criteria provided, single submitter. Criteria: Ambry Variant Classification Scheme 2023. Collection method: clinical testing. Allele origin: germline.

Labcorp Genetics (formerly Invitae), Labcorp
Classification: Uncertain significance for Carnitine palmitoyltransferase II deficiency. Last evaluated: 2022-08-15. Review status: criteria provided, single submitter. Criteria: Invitae Variant Classification Sherloc (09022015). Collection method: clinical testing. Allele origin: germline.
Comment: This sequence change replaces leucine, which is neutral and non-polar, with valine, which is neutral and non-polar, at codon 206 of the CPT2 protein (p.Leu206Val). This variant is present in population databases (no rsID available, gnomAD 0.006%). This variant has not been reported in the literature in individuals affected with CPT2-related conditions. ClinVar contains an entry for this variant (Variation ID: 1035734). Advanced modeling of protein sequence and biophysical properties (such as structural, functional, and spatial information, amino acid conservation, physicochemical variation, residue mobility, and thermodynamic stability) performed at Invitae indicates that this missense variant is not expected to disrupt CPT2 protein function. In summary, the available evidence is currently insufficient to determine the role of this variant in disease. Therefore, it has been classified as a Variant of Uncertain Significance.

Natera, Inc.
Classification: Uncertain significance for Carnitine palmitoyltransferase II deficiency. Last evaluated: 2020-01-24. Review status: no assertion criteria provided. Collection method: clinical testing. Allele origin: germline. Not counted in ClinVar's aggregate classification.